The following is an entry in ClinVar:

NM_001297719.2(BMAL1):c.1019A>G (p.Tyr340Cys)

Gene: BMAL1 (basic helix-loop-helix ARNT like 1; plus strand). Cytogenetic location: 11p15.3.
Variant type: single nucleotide variant.
Coding change: c.1019A>G on transcript NM_001297719.2 (MANE Select); coding-DNA position 1019, A replaced by G.
Protein change: p.Tyr340Cys; replaces tyrosine 340 with cysteine.
Molecular consequence: missense variant. On other transcripts: non-coding transcript variant (7), intron variant (2).
Genome position (GRCh38, 1-based): chr11:13,372,361, A>G. VCF-style: chr11-13372361-A-G. GRCh37 (hg19) VCF-style: chr11-13393908-A-G.
Other names: c.1016A>G, p.Tyr339Cys (NM_001030272.3, NM_001178.6, NM_001351804.1 and 2 more transcripts); c.887A>G, p.Tyr296Cys (NM_001030273.3, NM_001351813.2, NM_001351818.2); c.1019A>G, p.Tyr340Cys (NM_001297722.2, NM_001351807.2, NM_001351814.2 and 1 more transcripts); c.890A>G, p.Tyr297Cys (NM_001297724.2, NM_001351808.2, NM_001351816.2 and 4 more transcripts); c.980A>G, p.Tyr327Cys (NM_001351805.2); c.977A>G, p.Tyr326Cys (NM_001351806.2); c.968A>G, p.Tyr323Cys (NM_001351809.2, NM_001351812.2); c.269A>G, p.Tyr90Cys (NM_001351811.2); and 1 more; short protein forms Y327C, Y339C, Y296C, Y323C, Y326C, Y90C, Y297C, Y340C.
Identifiers: ClinVar variation 5008423 (VCV005008423.1).

ClinVar aggregate classification (germline): Uncertain significance (1 of 4 stars; one submission).

Submission:

GeneDx
Classification: Uncertain significance. Last evaluated: 2026-03-08. Review status: criteria provided, single submitter. Criteria: GeneDx Variant Classification Process June 2021. Collection method: clinical testing. Allele origin: germline.
Comment: Not observed at significant frequency in large population cohorts (gnomAD); In silico analysis supports that this missense variant has a deleterious effect on protein structure/function; Has not been previously published as pathogenic or benign to our knowledge